The following is an entry in ClinVar:

ClinVar aggregate classification (germline): Uncertain significance (1 of 4 stars; one submission).

Conditions:
Cardiovascular phenotype. Identifiers: MedGen CN230736.

Allele frequency attached by ClinVar (database versions not stated): gnomAD exomes below 0.00001.
gnomAD v4.1: 2 of 1,613,754 alleles (0.00012%); highest among the groups gnomAD compares: African/African-American, 0.0013%; no homozygotes.

Submission:

Ambry Genetics
Classification: Uncertain significance for Cardiovascular phenotype. Last evaluated: 2020-07-01. Review status: criteria provided, single submitter. Criteria: Ambry Variant Classification Scheme 2023. Collection method: clinical testing. Allele origin: germline.
Comment: The p.W23582R variant (also known as c.70744T>C), located in coding exon 178 of the TTN gene, results from a T to C substitution at nucleotide position 70744. The tryptophan at codon 23582 is replaced by arginine, an amino acid with dissimilar properties. This amino acid position is highly conserved in available vertebrate species. In addition, the in silico prediction for this alteration is inconclusive. Since supporting evidence is limited at this time, the clinical significance of this alteration remains unclear.

NM_001267550.2(TTN):c.97939T>C (p.Trp32647Arg)

Genes: TTN (titin; minus strand), TTN-AS1 (TTN antisense RNA 1; plus strand). Cytogenetic location: 2q31.2.
Variant type: single nucleotide variant.
Coding change: c.97939T>C on transcript NM_001267550.2 (MANE Select); coding-DNA position 97939, T replaced by C.
Protein change: p.Trp32647Arg; replaces tryptophan 32647 with arginine.
Molecular consequence: missense variant.
Genome position (GRCh38, 1-based): chr2:178,540,227, A>G on the plus strand (T>C on the coding strand, the complement: TTN is on the minus strand). VCF-style: chr2-178540227-A-G. GRCh37 (hg19) VCF-style: chr2-179404954-A-G.
Other names: c.93016T>C, p.Trp31006Arg (NM_001256850.1); c.70744T>C, p.Trp23582Arg (NM_003319.4); c.90235T>C, p.Trp30079Arg (NM_133378.4); c.71119T>C, p.Trp23707Arg (NM_133432.3); c.71320T>C, p.Trp23774Arg (NM_133437.4); short protein forms W23774R, W23582R, W30079R, W23707R, W31006R, W32647R.
Identifiers: ClinVar variation 1757017 (VCV001757017.2), dbSNP rs2468795869, ClinGen allele CA349435878.